The following is an entry in ClinVar:

NM_002890.3(RASA1):c.632_644del (p.Arg211fs)

Genes: CCNH (cyclin H; minus strand), RASA1 (RAS p21 protein activator 1; plus strand). Cytogenetic location: 5q14.3.
Variant type: Deletion.
Coding change: c.632_644del on transcript NM_002890.3 (MANE Select); coding-DNA positions 632 to 644, 13 bases deleted (GGAGGCCAGGGTC).
Protein change: p.Arg211fs; shifts the reading frame from arginine 211.
Molecular consequence: frameshift variant. On other transcripts: intron variant (1).
Genome position (GRCh38, 1-based): chr5:87,331,440-87,331,452, GGAGGCCAGGGTC deleted; deleting any 13 consecutive bases within chr5:87,331,438-87,331,452 gives the same sequence; the c. name uses the placement nearest the transcript's 3' end. VCF-style (leftmost placement, unchanged base first): chr5-87331437-ATCGGAGGCCAGGG-A. GRCh37 (hg19) VCF-style: chr5-86627254-ATCGGAGGCCAGGG-A.
Other names: c.101_113del, p.Arg34fs (NM_022650.3); c.934-18655_934-18643del (NM_001364075.2); short protein forms R34fs, R211fs.
Identifiers: ClinVar variation 422710 (VCV000422710.4), dbSNP rs1064795950, ClinGen allele CA16618215.

ClinVar aggregate classification (germline): Likely pathogenic (1 of 4 stars; one submission).

Submission:

GeneDx
Classification: Likely pathogenic. Last evaluated: 2016-11-15. Review status: criteria provided, single submitter. Criteria: GeneDx Variant Classification (06012015). Collection method: clinical testing. Allele origin: germline. Affected: yes.
Comment: Although the c.632_644del13 likely pathogenic variant in the RASA1 gene has not been reported toour knowledge, this variant causes a shift in reading frame starting at codon Arginine 211, changing itto a Proline, and creating a premature stop codon at position 10 of the new reading frame, denotedp.Arg211ProfsX10. This likely pathogenic variant is expected to result in either an abnormal,truncated protein product or loss of protein from this allele through nonsense-mediated mRNA decay.Many other frameshift variants in the RASA2 gene have been reported in HGMD in association withCM-AVM syndrome (Stenson et al., 2014). Furthermore, the c.632_644del13 variant was notobserved in approximately 6,500 individuals of European and African American ancestry in theNHLBI Exome Sequencing Project, indicating it is not a common benign variant in these populations.In summary, c.632_644del13 in the RASA1 gene is expected to be pathogenic, as loss of functionvariants in this gene are strongly associated with this phenotype.